The following is an entry in ClinVar:

NM_001267550.2(TTN):c.70015del (p.Glu23339fs)

Genes: TTN (titin; minus strand), TTN-AS1 (TTN antisense RNA 1; plus strand), LOC126806422 (BRD4-independent group 4 enhancer GRCh37_chr2:179440205-179441404; plus strand). Cytogenetic location: 2q31.2.
Variant type: Deletion.
Coding change: c.70015del on transcript NM_001267550.2 (MANE Select); coding-DNA position 70015, one base deleted (G; older notation c.70015delG).
Protein change: p.Glu23339fs; shifts the reading frame from glutamic acid 23339.
Molecular consequence: frameshift variant.
Genome position (GRCh38, 1-based): chr2:178,576,117, C deleted on the plus strand (G on the coding strand, the reverse complement: TTN is on the minus strand); the first of 3 consecutive C bases (chr2:178,576,117-178,576,119); deleting any one gives the same sequence. VCF-style (leftmost placement, unchanged base first): chr2-178576116-TC-T. GRCh37 (hg19) VCF-style: chr2-179440843-TC-T.
Other names: c.65092del, p.Glu21698fs (NM_001256850.1); c.42820del, p.Glu14274fs (NM_003319.4); c.62311del, p.Glu20771fs (NM_133378.4); c.43195del, p.Glu14399fs (NM_133432.3); c.43396del, p.Glu14466fs (NM_133437.4); c.70013delG (NM_001267550.2); short protein forms E14274fs, E14399fs, E14466fs, E20771fs, E21698fs, E23339fs.
Identifiers: ClinVar variation 3075685 (VCV003075685.3), dbSNP rs2468712616, ClinGen allele CA2825001046.

ClinVar aggregate classification (germline): Likely pathogenic. Review status: criteria provided, multiple submitters, no conflicts (2 of 4 stars). 2 submissions from 2 submitters: Likely pathogenic (2). Last evaluated 2024-04-30.

Conditions:
Autosomal recessive limb-girdle muscular dystrophy type 2J (LGMDR10). Also called: Limb-girdle muscular dystrophy, type 2J; MUSCULAR DYSTROPHY, LIMB-GIRDLE, AUTOSOMAL RECESSIVE 10. Identifiers: Orphanet 140922, MedGen C1837342, MONDO:0012127, OMIM 608807.
Dilated cardiomyopathy 1G (CMD1G). Identifiers: Orphanet 154, MedGen C1858763, MONDO:0011400, OMIM 604145.

Submissions (2):

Labcorp Genetics (formerly Invitae), Labcorp
Classification: Likely pathogenic for Dilated cardiomyopathy 1G; Autosomal recessive limb-girdle muscular dystrophy type 2J. Last evaluated: 2024-04-30. Review status: criteria provided, single submitter. Criteria: Invitae Variant Classification Sherloc (09022015). Collection method: clinical testing. Allele origin: germline.
Comment: This sequence change creates a premature translational stop signal (p.Glu23339Argfs*8) in the TTN gene. While this is not anticipated to result in nonsense mediated decay, it is expected to create a truncated TTN protein. This variant is not present in population databases (gnomAD no frequency). This variant has not been reported in the literature in individuals affected with TTN-related conditions. This variant is located in the A band of TTN (PMID: 25589632). Truncating variants in this region are significantly overrepresented in patients affected with dilated cardiomyopathy (PMID: 25589632). Truncating variants in this region have also been reported in individuals affected with autosomal recessive centronuclear myopathy (PMID: 23975875). In summary, the currently available evidence indicates that the variant is pathogenic, but additional data are needed to prove that conclusively. Therefore, this variant has been classified as Likely Pathogenic.

Genomic Medicine Lab, University of California San Francisco
Classification: Likely pathogenic for Dilated cardiomyopathy 1G. Last evaluated: 2023-02-03. Review status: criteria provided, single submitter. Criteria: ACMG Guidelines, 2015. Collection method: clinical testing. Allele origin: unknown. Affected: yes.

Literature cited by the submitters: PubMed 25589632 (cited by Labcorp Genetics (formerly Invitae), Labcorp); PubMed 23975875 (cited by Labcorp Genetics (formerly Invitae), Labcorp).